The following is an entry in ClinVar:

ClinVar aggregate classification (germline): Pathogenic (1 of 4 stars; one submission).

Conditions:
Brugada syndrome 5 (BRGDA5). Identifiers: Orphanet 130, Orphanet 871, MedGen C2748541, MONDO:0013015, OMIM 612838.

Submission:

Labcorp Genetics (formerly Invitae), Labcorp
Classification: Pathogenic for Brugada syndrome 5. Last evaluated: 2025-08-11. Review status: criteria provided, single submitter. Criteria: Invitae Variant Classification Sherloc (09022015). Collection method: clinical testing. Allele origin: germline.
Comment: This sequence change creates a premature translational stop signal (p.Ser26*) in the SCN1B gene. It is expected to result in an absent or disrupted protein product. Loss-of-function variants in SCN1B are known to be pathogenic (PMID: 17629415, 30660056). This variant is not present in population databases (gnomAD no frequency). This variant has not been reported in the literature in individuals affected with SCN1B-related conditions. For these reasons, this variant has been classified as Pathogenic.

Literature cited by the submitters: PubMed 17629415; PubMed 30660056.

NM_001037.5(SCN1B):c.77C>A (p.Ser26Ter)

Gene: SCN1B (sodium voltage-gated channel beta subunit 1; plus strand). Cytogenetic location: 19q13.11.
Variant type: single nucleotide variant.
Coding change: c.77C>A on transcript NM_001037.5 (MANE Select); coding-DNA position 77, C replaced by A.
Protein change: p.Ser26Ter; replaces serine 26 with a stop codon.
Molecular consequence: nonsense. On other transcripts: 5 prime UTR variant (1).
Genome position (GRCh38, 1-based): chr19:35,032,564, C>A. VCF-style: chr19-35032564-C-A. GRCh37 (hg19) VCF-style: chr19-35523468-C-A.
Other names: c.-23C>A (NM_001321605.2); c.77C>A, p.Ser26Ter (NM_199037.5); short protein forms S26*.
Identifiers: ClinVar variation 4720677 (VCV004720677.1).
Genomic context (GRCh38, chr19:35,032,564, plus strand): 5'-GACCTGAGCCTGCTGTCCCCACAGTGTCCTCAGCCTGCGGGGGCTGCGTGGAGGTGGACT[C>A]GGAGACCGAGGCCGTGTATGGGATGACCTTCAAAATTCTTTGCATCTCCTGCAAGCGCCG-3'